The following is an entry in ClinVar:

ClinVar aggregate classification (germline): Uncertain significance (1 of 4 stars; one submission).

Submission:

Women's Health and Genetics/Laboratory Corporation of America, LabCorp
Classification: Uncertain significance. Last evaluated: 2024-09-24. Review status: criteria provided, single submitter. Criteria: LabCorp Variant Classification Summary - May 2015. Collection method: clinical testing. Allele origin: germline.
Comment: Variant summary: SCN9A c.3097G>A (p.Ala1033Thr) results in a non-conservative amino acid change located in the sodium ion transport-associated domain (IPR010526) of the encoded protein sequence. Three of five in-silico tools predict a benign effect of the variant on protein function. The variant was absent in 248438 control chromosomes. The available data on variant occurrences in the general population are insufficient to allow any conclusion about variant significance. To our knowledge, no occurrence of c.3097G>A in individuals affected with Autosomal Recessive Channelopathy-Associated Congenital Insensitivity To Pain or other SCN9A-related disorders and no experimental evidence demonstrating its impact on protein function have been reported. No submitters have cited clinical-significance assessments for this variant to ClinVar. Based on the evidence outlined above, the variant was classified as uncertain significance.

NM_001365536.1(SCN9A):c.3130G>A (p.Ala1044Thr)

Genes: SCN1A-AS1 (SCN1A and SCN9A antisense RNA 1; plus strand), SCN9A (sodium voltage-gated channel alpha subunit 9; minus strand). Cytogenetic location: 2q24.3.
Variant type: single nucleotide variant.
Coding change: c.3130G>A on transcript NM_001365536.1 (MANE Select); coding-DNA position 3130, G replaced by A.
Protein change: p.Ala1044Thr; replaces alanine 1044 with threonine.
Molecular consequence: missense variant.
Genome position (GRCh38, 1-based): chr2:166,272,620, C>T on the plus strand (G>A on the coding strand, the complement: SCN9A is on the minus strand). VCF-style: chr2-166272620-C-T. GRCh37 (hg19) VCF-style: chr2-167129130-C-T.
Other names: c.3097G>A, p.Ala1033Thr (NM_002977.4); short protein forms A1033T, A1044T.
Identifiers: ClinVar variation 3375230 (VCV003375230.1).